The following is an entry in ClinVar:

ClinVar aggregate classification (germline): Pathogenic. Review status: criteria provided, multiple submitters, no conflicts (2 of 4 stars). 3 submissions from 3 submitters: Pathogenic (3). Last evaluated 2025-07-10.

Conditions:
Familial adenomatous polyposis 2. Also called: COLORECTAL ADENOMATOUS POLYPOSIS, AUTOSOMAL RECESSIVE; ADENOMAS, MULTIPLE COLORECTAL, AUTOSOMAL RECESSIVE; Adenomas, multiple colorectal; MYH-associated polyposis; MUTYH-associated polyposis; MUTYH-related attenuated familial adenomatous polyposis. Identifiers: Orphanet 220460, Orphanet 247798, MedGen C3272841, MONDO:0012041, OMIM 608456.
Hereditary cancer-predisposing syndrome. Also called: Neoplastic Syndromes, Hereditary; Tumor predisposition; Hereditary Cancer Syndrome; Hereditary neoplastic syndrome. Identifiers: Orphanet 140162, MedGen C0027672, MeSH D009386, MONDO:0015356.

Submissions (3):

Ambry Genetics
Classification: Pathogenic for Hereditary cancer-predisposing syndrome. Last evaluated: 2025-07-10. Review status: criteria provided, single submitter. Criteria: Ambry Variant Classification Scheme 2023. Collection method: clinical testing. Allele origin: germline.
Comment: The c.1266_1278del13 pathogenic mutation, located in coding exon 13 of the MUTYH gene, results from a deletion of 13 nucleotides at nucleotide positions 1266 to 1278, causing a translational frameshift with a predicted alternate stop codon (p.Q422Hfs*26). This variant is considered to be rare based on population cohorts in the Genome Aggregation Database (gnomAD). This alteration is expected to result in loss of function by premature protein truncation or nonsense-mediated mRNA decay. As such, this alteration is interpreted as a disease-causing mutation.

Labcorp Genetics (formerly Invitae), Labcorp
Classification: Pathogenic for Familial adenomatous polyposis 2. Last evaluated: 2022-09-21. Review status: criteria provided, single submitter. Criteria: Invitae Variant Classification Sherloc (09022015). Collection method: clinical testing. Allele origin: germline.
Comment: For these reasons, this variant has been classified as Pathogenic. This variant has not been reported in the literature in individuals affected with MUTYH-related conditions. This variant is not present in population databases (gnomAD no frequency). This sequence change creates a premature translational stop signal (p.Gln422Hisfs*26) in the MUTYH gene. It is expected to result in an absent or disrupted protein product. Loss-of-function variants in MUTYH are known to be pathogenic (PMID: 18534194, 20663686).

Color Diagnostics, LLC DBA Color Health
Classification: Pathogenic for Hereditary cancer-predisposing syndrome. Last evaluated: 2022-01-01. Review status: criteria provided, single submitter. Criteria: ACMG Guidelines, 2015. Collection method: clinical testing. Allele origin: germline.
Comment: This variant deletes 13 nucleotides in exon 13 of the MUTYH gene, creating a frameshift and premature translation stop signal. This variant is expected to result in an absent or non-functional protein product. To our knowledge, this variant has not been reported in individuals affected with hereditary cancer in the literature. This variant has not been identified in the general population by the Genome Aggregation Database (gnomAD). Loss of MUTYH function is a known mechanism of disease. Based on the available evidence, this variant is classified as Pathogenic.

Literature cited by the submitters: PubMed 18534194 (cited by Labcorp Genetics (formerly Invitae), Labcorp); PubMed 20663686 (cited by Labcorp Genetics (formerly Invitae), Labcorp).

NM_001048174.2(MUTYH):c.1182_1194del (p.Gln394fs)

Gene: MUTYH (mutY DNA glycosylase; minus strand). Cytogenetic location: 1p34.1.
Variant type: Deletion.
Coding change: c.1182_1194del on transcript NM_001048174.2 (MANE Select); coding-DNA positions 1182 to 1194, 13 bases deleted (GGAACTACAGCGT).
Protein change: p.Gln394fs; shifts the reading frame from glutamine 394.
Molecular consequence: frameshift variant. On other transcripts: non-coding transcript variant (2).
Genome position (GRCh38, 1-based): chr1:45,331,465-45,331,477, ACGCTGTAGTTCC deleted on the plus strand (GGAACTACAGCGT on the coding strand, the reverse complement: MUTYH is on the minus strand). VCF-style (leftmost placement, unchanged base first): chr1-45331464-AACGCTGTAGTTCC-A. GRCh37 (hg19) VCF-style: chr1-45797136-AACGCTGTAGTTCC-A.
Other names: c.1182_1194del, p.Gln394fs (NM_001048171.2, NM_001048173.2, NM_001293195.2); c.1185_1197del, p.Gln395fs (NM_001048172.2); c.1266_1278del, p.Gln422fs (NM_001128425.2); c.1227_1239del, p.Gln409fs (NM_001293190.2); c.1215_1227del, p.Gln405fs (NM_001293191.2); c.906_918del, p.Gln302fs (NM_001293192.2, NM_001293196.2); c.837_849del, p.Gln279fs (NM_001350650.2, NM_001350651.2); c.1215_1227delGGAACTACAGCGT, p.Gln405Hisfs (NM_001407069.1, NM_001407077.1); and 11 more; short protein forms Q395fs, Q419fs, Q422fs, Q409fs, Q302fs, Q394fs, Q279fs, Q405fs.
Identifiers: ClinVar variation 2031626 (VCV002031626.7), dbSNP rs2523954069, ClinGen allele CA2580063006.